The following is an entry in ClinVar:

NM_006765.4(TUSC3):c.-88T>G

Gene: TUSC3 (tumor suppressor candidate 3; plus strand). Cytogenetic location: 8p22.
Variant type: single nucleotide variant.
Coding change: c.-88T>G on transcript NM_006765.4 (MANE Select); 88 bases upstream of the start codon, T replaced by G.
Molecular consequence: 5 prime UTR variant.
Genome position (GRCh38, 1-based): chr8:15,540,343, T>G. VCF-style: chr8-15540343-T-G. GRCh37 (hg19) VCF-style: chr8-15397852-T-G.
Other names: c.-88T>G (NM_001356429.2, NM_178234.2).
Identifiers: ClinVar variation 910999 (VCV000910999.5), dbSNP rs78789580, ClinGen allele CA12853416.

ClinVar aggregate classification (germline): Likely benign. Review status: criteria provided, multiple submitters, no conflicts (2 of 4 stars). 2 submissions from 2 submitters: Likely benign (2). Last evaluated 2018-01-13.

Conditions:
Congenital disorder of glycosylation (CDG). Also called: Carbohydrate-deficient glycoprotein syndrome; Congenital disorders of glycosylation. Identifiers: Orphanet 137, MedGen C0282577, MONDO:0015286.

Allele frequency attached by ClinVar (database versions not stated): gnomAD exomes 0.00066; gnomAD 0.00817 and 0.00871; TOPMed 0.00928; 1000 Genomes Project 0.00938; 1000 Genomes Project 30x 0.01031.
gnomAD v4.1: 2,066 of 1,378,922 alleles (0.15%); highest among the groups gnomAD compares: African/African-American, 2.8%; 31 homozygotes.

Submissions (2):

Illumina Laboratory Services, Illumina
Classification: Likely benign for Congenital disorder of glycosylation. Last evaluated: 2018-01-13. Review status: criteria provided, single submitter. Criteria: ICSL Variant Classification Criteria 13 December 2019. Collection method: clinical testing. Allele origin: germline.
Comment: This variant was observed in the ICSL laboratory as part of a predisposition screen in an ostensibly healthy population. It had not been previously curated by ICSL or reported in the Human Gene Mutation Database (HGMD: prior to June 1st, 2018), and was therefore a candidate for classification through an automated scoring system. Utilizing variant allele frequency, disease prevalence and penetrance estimates, and inheritance mode, an automated score was calculated to assess if this variant is too frequent to cause the disease. Based on the score and internal cut-off values, a variant classified as likely benign is not then subjected to further curation. The score for this variant resulted in a classification of likely benign for this disease.

Breakthrough Genomics
Classification: Likely benign. Review status: criteria provided, single submitter. Criteria: ACMG Guidelines, 2015. Collection method: not provided. Allele origin: germline. Inheritance: Autosomal recessive inheritance. Affected: yes.